The following is an entry in ClinVar:

ClinVar aggregate classification (germline): Uncertain significance (1 of 4 stars; one submission).

Submission:

GeneDx
Classification: Uncertain significance. Last evaluated: 2025-07-15. Review status: criteria provided, single submitter. Criteria: GeneDx Variant Classification Process June 2021. Collection method: clinical testing. Allele origin: germline. Affected: yes.
Comment: Not observed at significant frequency in large population cohorts (gnomAD); In silico analysis supports that this missense variant has a deleterious effect on protein structure/function; Has not been previously published as pathogenic or benign to our knowledge

NM_001127222.2(CACNA1A):c.4006A>G (p.Lys1336Glu)

Gene: CACNA1A (calcium voltage-gated channel subunit alpha1 A; minus strand). Cytogenetic location: 19p13.13.
Variant type: single nucleotide variant.
Coding change: c.4006A>G on transcript NM_001127222.2 (MANE Select); coding-DNA position 4006, A replaced by G.
Protein change: p.Lys1336Glu; replaces lysine 1336 with glutamic acid.
Molecular consequence: missense variant.
Genome position (GRCh38, 1-based): chr19:13,262,817, T>C on the plus strand (A>G on the coding strand, the complement: CACNA1A is on the minus strand). VCF-style: chr19-13262817-T-C. GRCh37 (hg19) VCF-style: chr19-13373631-T-C.
Other names: c.4018A>G, p.Lys1340Glu (NM_000068.4, NM_023035.3); c.4009A>G, p.Lys1337Glu (NM_001127221.2, NM_001174080.2); short protein forms K1336E, K1337E, K1340E.
Identifiers: ClinVar variation 4686256 (VCV004686256.1).